The following is an entry in ClinVar:

ClinVar aggregate classification (germline): Uncertain significance (1 of 4 stars; one submission).

Submission:

CeGaT Center for Human Genetics Tuebingen
Classification: Uncertain significance. Last evaluated: 2024-11-01. Review status: criteria provided, single submitter. Criteria: CeGaT Center For Human Genetics Tuebingen Variant Classification Criteria Version 2. Collection method: clinical testing. Allele origin: germline. Affected: yes. Observed: 1 variant allele.
Comment: HNF4A: PM2, PP3, PP4, PS4:Supporting

NM_175914.5(HNF4A):c.620T>C (p.Leu207Pro)

Gene: HNF4A (hepatocyte nuclear factor 4 alpha; plus strand). Cytogenetic location: 20q13.12.
Variant type: single nucleotide variant.
Coding change: c.620T>C on transcript NM_175914.5 (MANE Select); coding-DNA position 620, T replaced by C.
Protein change: p.Leu207Pro; replaces leucine 207 with proline.
Molecular consequence: missense variant.
Genome position (GRCh38, 1-based): chr20:44,418,462, T>C. VCF-style: chr20-44418462-T-C. GRCh37 (hg19) VCF-style: chr20-43047102-T-C.
Other names: c.686T>C, p.Leu229Pro (NM_000457.6, NM_178849.3, NM_178850.3); c.620T>C, p.Leu207Pro (NM_001030003.3, NM_001030004.3); c.665T>C, p.Leu222Pro (NM_001258355.2); c.611T>C, p.Leu204Pro (NM_001287182.2, NM_001287183.2, NM_001287184.2); short protein forms L204P, L207P, L222P, L229P.
Identifiers: ClinVar variation 3389453 (VCV003389453.14).